The following is an entry in ClinVar:

NM_001267550.2(TTN):c.85090C>T (p.Arg28364Ter)

Genes: TTN (titin; minus strand), TTN-AS1 (TTN antisense RNA 1; plus strand). Cytogenetic location: 2q31.2.
Variant type: single nucleotide variant.
Coding change: c.85090C>T on transcript NM_001267550.2 (MANE Select); coding-DNA position 85090, C replaced by T.
Protein change: p.Arg28364Ter; replaces arginine 28364 with a stop codon.
Molecular consequence: nonsense.
Genome position (GRCh38, 1-based): chr2:178,561,042, G>A on the plus strand (C>T on the coding strand, the complement: TTN is on the minus strand). VCF-style: chr2-178561042-G-A. GRCh37 (hg19) VCF-style: chr2-179425769-G-A.
Other names: c.80167C>T, p.Arg26723Ter (NM_001256850.1); c.57895C>T, p.Arg19299Ter (NM_003319.4); c.77386C>T, p.Arg25796Ter (NM_133378.4); c.58270C>T, p.Arg19424Ter (NM_133432.3); c.58471C>T, p.Arg19491Ter (NM_133437.4); c.85090C>T (LRG_391t1); short protein forms R28364*, R19299*, R25796*, R19424*, R26723*, R19491*.
Identifiers: ClinVar variation 223295 (VCV000223295.27), dbSNP rs770038577, ClinGen allele CA090441.
Genomic context (GRCh38, chr2:178,561,042, plus strand): 5'-GCCCTGCAATGTCTGCATTTATCTTAAGGACCTCTCCAGCTTTGACAACAATAACGTCTC[G>A]GAACTTGACATCCATCATAACTCTTGGAGGCTCAACATCATCTTTAACTATAATAGGCCC-3'

ClinVar aggregate classification (germline): Pathogenic/Likely pathogenic. Review status: criteria provided, multiple submitters, no conflicts (2 of 4 stars). 14 submissions from 9 submitters: Pathogenic (11); Likely pathogenic (1). 2 of the submissions do not count toward it. Last evaluated 2025-12-13.

Conditions:
Myopathy, myofibrillar, 9, with early respiratory failure (MFM9). Also called: Hereditary myopathy with early respiratory failure; EDSTROM MYOPATHY; Myopathy, distal, with early respiratory failure, autosomal dominant; MYOPATHY, PROXIMAL, WITH EARLY RESPIRATORY MUSCLE INVOLVEMENT. Identifiers: Orphanet 178464, Orphanet 34521, MedGen C1863599, MONDO:0011362, OMIM 603689.
Autosomal recessive limb-girdle muscular dystrophy type 2J (LGMDR10). Also called: Limb-girdle muscular dystrophy, type 2J; MUSCULAR DYSTROPHY, LIMB-GIRDLE, AUTOSOMAL RECESSIVE 10. Identifiers: Orphanet 140922, MedGen C1837342, MONDO:0012127, OMIM 608807.
Dilated cardiomyopathy 1G (CMD1G). Identifiers: Orphanet 154, MedGen C1858763, MONDO:0011400, OMIM 604145.
Tibial muscular dystrophy (TMD). Also called: Udd Distal Myopathy – Tibial Muscular Dystrophy; Tibial muscular dystrophy, tardive; UDD MYOPATHY. Identifiers: Orphanet 609, MedGen C1838244, MONDO:0010870, OMIM 600334.
Primary dilated cardiomyopathy (DCM). Also called: Dilated Cardiomyopathy. Identifiers: Orphanet 217604, MedGen C0007193, MeSH D002311, MONDO:0005021, HP:0001644. Inheritance: Various modes of inheritance.
TTN-related disorder. Also called: TTN-related disorders; TTN-related condition; TTN-related disease.
Cardiovascular phenotype. Identifiers: MedGen CN230736.
Hypertrophic cardiomyopathy 9. Also called: Familial hypertrophic cardiomyopathy 9. Identifiers: MedGen C1861065, MONDO:0013412, OMIM 613765.
Early-onset myopathy with fatal cardiomyopathy (CMYO5). Also called: CONGENITAL MYOPATHY 5 WITH CARDIOMYOPATHY; Salih Myopathy. Identifiers: Orphanet 289377, MedGen C2673677, MONDO:0012714, OMIM 611705. Disease mechanism: loss of function.

Allele frequency attached by ClinVar (database versions not stated): gnomAD 0.00001; TOPMed 0.00001.
gnomAD v4.1: 2 of 1,613,602 alleles (0.00012%); highest among the groups gnomAD compares: Non-Finnish European, 0.000085%; no homozygotes.

Submissions (14):

Labcorp Genetics (formerly Invitae), Labcorp
Classification: Pathogenic for Dilated cardiomyopathy 1G; Autosomal recessive limb-girdle muscular dystrophy type 2J. Last evaluated: 2025-12-13. Review status: criteria provided, single submitter. Criteria: Invitae Variant Classification Sherloc (09022015). Collection method: clinical testing. Allele origin: germline.
Comment: This sequence change creates a premature translational stop signal (p.Arg28364*) in the TTN gene. While this is not anticipated to result in nonsense mediated decay, it is expected to create a truncated TTN protein. This variant is present in population databases (no rsID available, gnomAD 0.3%). This premature translational stop signal has been observed in individuals with atrial fibrillation and/or dilated cardiomyopathy (PMID: 25589632, 30535219; internal data). ClinVar contains an entry for this variant (Variation ID: 223295). This variant is located in the A band of TTN (PMID: 25589632). Truncating variants in this region are significantly overrepresented in patients affected with dilated cardiomyopathy (PMID: 25589632). Truncating variants in this region have also been reported in individuals affected with autosomal recessive centronuclear myopathy (PMID: 23975875). For these reasons, this variant has been classified as Pathogenic.

Molecular Diagnostic Laboratory for Inherited Cardiovascular Disease, Montreal Heart Institute
Classification: Pathogenic for Cardiovascular phenotype. Last evaluated: 2025-12-09. Review status: criteria provided, single submitter. Criteria: ACMG Guidelines, 2015. Collection method: clinical testing. Allele origin: germline. Affected: yes.
Comment: PVS1, PS4_supp, PM2

GeneDx
Classification: Pathogenic. Last evaluated: 2025-06-25. Review status: criteria provided, single submitter. Criteria: GeneDx Variant Classification Process June 2021. Collection method: clinical testing. Allele origin: germline. Affected: yes.
Comment: Nonsense variant predicted to result in protein truncation or nonsense mediated decay in a gene for which loss of function is a known mechanism of disease; Located in the A-band, a region of TTN for which truncating variants are significantly associated with autosomal dominant cardiomyopathy and also with autosomal recessive skeletal myopathies (PMID: 22335739, 32778822); Not observed at significant frequency in large population cohorts (gnomAD); This variant is associated with the following publications: (PMID: 37652022, 31983221, 30535219, 25589632, 34495297, 32047230, 38438525, 23975875, 30371277, 36396199, 22335739, 32778822)

Ambry Genetics
Classification: Pathogenic for Cardiovascular phenotype. Last evaluated: 2025-02-18. Review status: criteria provided, single submitter. Criteria: Ambry Variant Classification Scheme 2023. Collection method: clinical testing. Allele origin: germline.
Comment: The p.R19299* pathogenic mutation (also known as c.57895C>T), located in coding exon 153 of the TTN gene, results from a C to T substitution at nucleotide position 57895. This changes the amino acid from an arginine to a stop codon within coding exon 153. This exon is located in the A-band region of the N2-B isoform of the titin protein and is constitutively expressed in TTN transcripts (percent spliced in or PSI 100%). This variant (also referred to as p.R28364* (c.85090C>T) and p.R26723* (c.80167C>T)) has been reported in dilated cardiomyopathy (DCM), left ventricular noncompaction, and early-onset atrial fibrillation cohorts (Roberts AM. Sci Transl Med 2015 Jan;7(270):270ra6; Choi SH et al. JAMA. 2018 12;320(22):2354-2364; Li S et al. J Am Heart Assoc, 2018 Oct;7:e009910; Ambry internal data). In addition, this alteration is expected to result in loss of function by premature protein truncation or nonsense-mediated mRNA decay. While truncating variants in TTN are present in 1-3% of the general population, truncating variants in the A-band are the most common cause of dilated cardiomyopathy (DCM) (Herman DS et al. N. Engl. J. Med., 2012 Feb;366:619-28; Roberts AM et al. Sci Transl Med, 2015 Jan;7:270ra6). TTN truncating variants encoded in constitutive exons (PSI >90%) have been found to be significantly associated with DCM regardless of their position in titin (Schafer S et al. Nat. Genet., 2017 01;49:46-53). This variant is considered to be rare based on population cohorts in the Genome Aggregation Database (gnomAD). Based on the supporting evidence, this alteration is interpreted as a disease-causing mutation.

Blueprint Genetics
Classification: Pathogenic for TTN-related disorders. Last evaluated: 2024-06-13. Review status: criteria provided, single submitter. Criteria: ACMG Guidelines, 2015. Collection method: clinical testing. Allele origin: germline. Affected: yes. Observed: 2 variant alleles.

Baylor Genetics
Classification: Pathogenic for Tibial muscular dystrophy. Last evaluated: 2022-08-25. Review status: criteria provided, single submitter. Criteria: ACMG Guidelines, 2015. Collection method: clinical testing. Allele origin: unknown.

Baylor Genetics
Classification: Pathogenic for Hypertrophic cardiomyopathy 9. Last evaluated: 2022-08-25. Review status: criteria provided, single submitter. Criteria: ACMG Guidelines, 2015. Collection method: clinical testing. Allele origin: unknown.

Baylor Genetics
Classification: Pathogenic for Myopathy, myofibrillar, 9, with early respiratory failure. Last evaluated: 2022-08-25. Review status: criteria provided, single submitter. Criteria: ACMG Guidelines, 2015. Collection method: clinical testing. Allele origin: unknown.

Baylor Genetics
Classification: Pathogenic for Early-onset myopathy with fatal cardiomyopathy. Last evaluated: 2022-08-25. Review status: criteria provided, single submitter. Criteria: ACMG Guidelines, 2015. Collection method: clinical testing. Allele origin: unknown.

Baylor Genetics
Classification: Pathogenic for Dilated cardiomyopathy 1G. Last evaluated: 2022-08-25. Review status: criteria provided, single submitter. Criteria: ACMG Guidelines, 2015. Collection method: clinical testing. Allele origin: unknown.

Baylor Genetics
Classification: Pathogenic for Autosomal recessive limb-girdle muscular dystrophy type 2J. Last evaluated: 2022-08-25. Review status: criteria provided, single submitter. Criteria: ACMG Guidelines, 2015. Collection method: clinical testing. Allele origin: unknown.

Cardiovascular Biomedical Research Unit, Royal Brompton & Harefield NHS Foundation Trust
Classification: Likely pathogenic for Primary dilated cardiomyopathy. Last evaluated: 2014-10-08. Review status: criteria provided, single submitter. Criteria: Roberts et al. 2015. Collection method: research. Allele origin: germline. Inheritance: Autosomal dominant inheritance. Affected: yes. Observed: 1 variant allele. Study: Unselected DCM.
Comment: In the seven cohorts assessed, TTNtv were found in 14% of ambulant DCM, 22% end-stage or familial DCM, and 2% controls. Heterozygous nonsense, frameshift and canonical splice-disrupting variants found in constitutive and other highly utilised exons are highly likely to be pathogenic when identified in individuals with phenotypically confirmed DCM. TTNtv found incidentally in healthy individuals (excluding familial assessment of DCM relatives) are thought to have low penetrance, particularly when identified in exons that are not constitutively expressed in the heart.

Clinical Genetics, Academic Medical Center
Classification: Pathogenic. Review status: no assertion criteria provided. Collection method: clinical testing. Allele origin: germline. Affected: yes. Study: VKGL Data-share Consensus. Not counted in ClinVar's aggregate classification.

Genome Diagnostics Laboratory, University Medical Center Utrecht
Classification: Pathogenic. Review status: no assertion criteria provided. Collection method: clinical testing. Allele origin: germline. Affected: yes. Study: VKGL Data-share Consensus. Not counted in ClinVar's aggregate classification.

Literature cited by the submitters: PubMed 25589632 (cited by Labcorp Genetics (formerly Invitae), Labcorp); PubMed 30535219 (cited by Labcorp Genetics (formerly Invitae), Labcorp and Ambry Genetics); PubMed 23975875 (cited by Labcorp Genetics (formerly Invitae), Labcorp); PubMed 30371277 (cited by Ambry Genetics).